The following is an entry in ClinVar:

ClinVar aggregate classification (germline): Uncertain significance. Review status: criteria provided, multiple submitters, no conflicts (2 of 4 stars). 2 submissions from 2 submitters: Uncertain significance (2). Last evaluated 2023-08-04.

Conditions:
Charcot-Marie-Tooth disease type 4. Also called: Charcot-Marie-Tooth disease, type IV; Charcot-Marie-Tooth, Type 4. Identifiers: Orphanet 64749, MedGen C4082197, MONDO:0018995.

Allele frequency attached by ClinVar (database versions not stated): TOPMed below 0.00001; gnomAD exomes 0.00001.
gnomAD v4.1: 18 of 1,613,818 alleles (0.0011%); highest among the groups gnomAD compares: Non-Finnish European, 0.0015%; no homozygotes.

Submissions (2):

Labcorp Genetics (formerly Invitae), Labcorp
Classification: Uncertain significance for Charcot-Marie-Tooth disease type 4. Last evaluated: 2023-08-04. Review status: criteria provided, single submitter. Criteria: Invitae Variant Classification Sherloc (09022015). Collection method: clinical testing. Allele origin: germline.
Comment: In summary, the available evidence is currently insufficient to determine the role of this variant in disease. Therefore, it has been classified as a Variant of Uncertain Significance. This sequence change replaces glycine, which is neutral and non-polar, with aspartic acid, which is acidic and polar, at codon 94 of the FIG4 protein (p.Gly94Asp). This variant is not present in population databases (gnomAD no frequency). This missense change has been observed in individual(s) with Charcot-Marie-Tooth disease (PMID: 26392352). ClinVar contains an entry for this variant (Variation ID: 934283). An algorithm developed to predict the effect of missense changes on protein structure and function (PolyPhen-2) suggests that this variant is likely to be disruptive.

Blueprint Genetics
Classification: Uncertain significance. Last evaluated: 2023-08-03. Review status: criteria provided, single submitter. Criteria: ACMG Guidelines, 2015. Collection method: clinical testing. Allele origin: germline.

Literature cited by the submitters: PubMed 26392352 (cited by Labcorp Genetics (formerly Invitae), Labcorp).

NM_014845.6(FIG4):c.281G>A (p.Gly94Asp)

Gene: FIG4 (FIG4 phosphoinositide 5-phosphatase; plus strand). Cytogenetic location: 6q21.
Variant type: single nucleotide variant.
Coding change: c.281G>A on transcript NM_014845.6 (MANE Select); coding-DNA position 281, G replaced by A.
Protein change: p.Gly94Asp; replaces glycine 94 with aspartic acid.
Molecular consequence: missense variant.
Genome position (GRCh38, 1-based): chr6:109,716,560, G>A. VCF-style: chr6-109716560-G-A. GRCh37 (hg19) VCF-style: chr6-110037763-G-A.
Other names: short protein forms G94D.
Identifiers: ClinVar variation 934283 (VCV000934283.8), dbSNP rs1775437078, ClinGen allele CA365212695.
Genomic context (GRCh38, chr6:109,716,560, plus strand): 5'-ATAGAACAAAGATGGGACAGAAAGGATCCTCGGGCTTATTTCGAGCGGTTTCAGCTTTTG[G>A]TGTTGTGGGTAAGAAATCTGCCCCCCTTCTTACAATCTCTTGTTTTTTGTTTTTGTCTTC-3'
Protein context (NP_055660.1, residues 84-104): SGLFRAVSAF[Gly94Asp]VVGFVRFLEG